The following is an entry in ClinVar:

NM_006269.2(RP1):c.4274T>C (p.Leu1425Pro)

Gene: RP1 (RP1 axonemal microtubule associated; plus strand). Cytogenetic location: 8q12.1.
Variant type: single nucleotide variant.
Coding change: c.4274T>C on transcript NM_006269.2 (MANE Select); coding-DNA position 4274, T replaced by C.
Protein change: p.Leu1425Pro; replaces leucine 1425 with proline.
Molecular consequence: missense variant. On other transcripts: intron variant (1).
Genome position (GRCh38, 1-based): chr8:54,628,156, T>C. VCF-style: chr8-54628156-T-C. GRCh37 (hg19) VCF-style: chr8-55540716-T-C.
Other names: c.787+5868T>C (NM_001375654.1); short protein forms L1425P.
Identifiers: ClinVar variation 1915725 (VCV001915725.5), dbSNP rs1338252422, ClinGen allele CA370981840.

ClinVar aggregate classification (germline): Uncertain significance (1 of 4 stars; one submission).

Allele frequency attached by ClinVar (database versions not stated): gnomAD exomes below 0.00001; gnomAD 0.00001; TOPMed 0.00001.
gnomAD v4.1: 7 of 1,613,908 alleles (0.00043%); highest among the groups gnomAD compares: Non-Finnish European, 0.00059%; no homozygotes.

Submission:

Labcorp Genetics (formerly Invitae), Labcorp
Classification: Uncertain significance. Last evaluated: 2021-12-27. Review status: criteria provided, single submitter. Criteria: Invitae Variant Classification Sherloc (09022015). Collection method: clinical testing. Allele origin: germline.
Comment: This variant is present in population databases (no rsID available, gnomAD 0.002%). This sequence change replaces leucine, which is neutral and non-polar, with proline, which is neutral and non-polar, at codon 1425 of the RP1 protein (p.Leu1425Pro). This variant has not been reported in the literature in individuals affected with RP1-related conditions. Algorithms developed to predict the effect of missense changes on protein structure and function (SIFT, PolyPhen-2, Align-GVGD) all suggest that this variant is likely to be tolerated. In summary, the available evidence is currently insufficient to determine the role of this variant in disease. Therefore, it has been classified as a Variant of Uncertain Significance.